The following is an entry in ClinVar:

NM_139343.3(BIN1):c.1483G>T (p.Val495Leu)

Gene: BIN1 (bridging integrator 1; minus strand). Cytogenetic location: 2q14.3.
Variant type: single nucleotide variant.
Coding change: c.1483G>T on transcript NM_139343.3 (MANE Select); coding-DNA position 1483, G replaced by T.
Protein change: p.Val495Leu; replaces valine 495 with leucine.
Molecular consequence: missense variant.
Genome position (GRCh38, 1-based): chr2:127,050,891, C>A on the plus strand (G>T on the coding strand, the complement: BIN1 is on the minus strand). VCF-style: chr2-127050891-C-A. GRCh37 (hg19) VCF-style: chr2-127808467-C-A.
Other names: c.976G>T, p.Val326Leu (NM_001320632.2); c.1114G>T, p.Val372Leu (NM_001320633.2); c.859G>T, p.Val287Leu (NM_001320634.1); c.1243G>T, p.Val415Leu (NM_001320640.2); c.1390G>T, p.Val464Leu (NM_001320641.2); c.1402G>T, p.Val468Leu (NM_001320642.1); c.1066G>T, p.Val356Leu (NM_004305.4); c.1354G>T, p.Val452Leu (NM_139344.3); and 7 more; short protein forms V287L, V311L, V326L, V341L, V356L, V372L, V377L, V384L.
Identifiers: ClinVar variation 1004328 (VCV001004328.9), dbSNP rs1191840422, ClinGen allele CA348374933.
Genomic context (GRCh38, chr2:127,050,891, plus strand): 5'-AGCGCCCGGCCCCACTGCCGCCCTCCACGGTGCCATTCACAGTTGCTGGGAAGGTCTCCA[C>A]CACGACAGCAGGAAGAGAGCTCTGGTGGCAGAGGTACGGGTCAGCTGAGCAGGGAGGTGG-3'
Protein context (NP_647593.1, residues 485-505): AASSSLPAVV[Val495Leu]ETFPATVNGT

ClinVar aggregate classification (germline): Uncertain significance (1 of 4 stars; one submission).

Conditions:
Myopathy, centronuclear, 2 (CNM2). Also called: MYOTUBULAR MYOPATHY, AUTOSOMAL RECESSIVE. Identifiers: Orphanet 169186, MedGen CN031787, MONDO:0009709, OMIM 255200.

Submission:

Labcorp Genetics (formerly Invitae), Labcorp
Classification: Uncertain significance for Myopathy, centronuclear, 2. Last evaluated: 2025-08-02. Review status: criteria provided, single submitter. Criteria: Invitae Variant Classification Sherloc (09022015). Collection method: clinical testing. Allele origin: germline.
Comment: This sequence change replaces valine, which is neutral and non-polar, with leucine, which is neutral and non-polar, at codon 495 of the BIN1 protein (p.Val495Leu). This variant is not present in population databases (gnomAD no frequency). This variant has not been reported in the literature in individuals affected with BIN1-related conditions. ClinVar contains an entry for this variant (Variation ID: 1004328). Invitae Evidence Modeling of protein sequence and biophysical properties (such as structural, functional, and spatial information, amino acid conservation, physicochemical variation, residue mobility, and thermodynamic stability) indicates that this missense variant is not expected to disrupt BIN1 protein function with a negative predictive value of 80%. In summary, the available evidence is currently insufficient to determine the role of this variant in disease. Therefore, it has been classified as a Variant of Uncertain Significance.